The following is an entry in ClinVar:

NM_004006.3(DMD):c.5047A>T (p.Thr1683Ser)

Gene: DMD (dystrophin; minus strand). Cytogenetic location: Xp21.1.
Variant type: single nucleotide variant.
Coding change: c.5047A>T on transcript NM_004006.3 (MANE Select); coding-DNA position 5047, A replaced by T.
Protein change: p.Thr1683Ser; replaces threonine 1683 with serine.
Molecular consequence: missense variant.
Genome position (GRCh38, 1-based): chrX:32,364,689, T>A on the plus strand (A>T on the coding strand, the complement: DMD is on the minus strand). VCF-style: chrX-32364689-T-A. GRCh37 (hg19) VCF-style: chrX-32382806-T-A.
Other names: c.5023A>T, p.Thr1675Ser (NM_000109.4); c.5035A>T, p.Thr1679Ser (NM_004009.3); c.4678A>T, p.Thr1560Ser (NM_004010.3); c.1024A>T, p.Thr342Ser (NM_004011.4); c.1015A>T, p.Thr339Ser (NM_004012.4); short protein forms T1560S, T1675S, T1679S, T1683S, T339S, T342S.
Identifiers: ClinVar variation 4812230 (VCV004812230.1).

ClinVar aggregate classification (germline): Uncertain significance (1 of 4 stars; one submission).

Conditions:
Duchenne muscular dystrophy (DMD). Also called: Duchenne Muscular Dystrophy (DMD); MUSCULAR DYSTROPHY, PSEUDOHYPERTROPHIC PROGRESSIVE, DUCHENNE TYPE. Identifiers: Orphanet 98896, MedGen C0013264, MONDO:0010679, OMIM 310200.

Submission:

Labcorp Genetics (formerly Invitae), Labcorp
Classification: Uncertain significance for Duchenne muscular dystrophy. Last evaluated: 2026-01-29. Review status: criteria provided, single submitter. Criteria: Invitae Variant Classification Sherloc (09022015). Collection method: clinical testing. Allele origin: germline.
Comment: This sequence change replaces threonine, which is neutral and polar, with serine, which is neutral and polar, at codon 1683 of the DMD protein (p.Thr1683Ser). This variant is not present in population databases (gnomAD no frequency). This variant has not been reported in the literature in individuals affected with DMD-related conditions. Invitae Evidence Modeling of protein sequence and biophysical properties (such as structural, functional, and spatial information, amino acid conservation, physicochemical variation, residue mobility, and thermodynamic stability) indicates that this missense variant is not expected to disrupt DMD protein function with a negative predictive value of 95%. In summary, the available evidence is currently insufficient to determine the role of this variant in disease. Therefore, it has been classified as a Variant of Uncertain Significance.